The following is an entry in ClinVar:

NM_152467.5(KLHL10):c.1029C>A (p.Ile343=)

Gene: KLHL10 (kelch like family member 10; plus strand). Cytogenetic location: 17q21.2.
Variant type: single nucleotide variant.
Coding change: c.1029C>A on transcript NM_152467.5 (MANE Select); coding-DNA position 1029, C replaced by A.
Protein change: p.Ile343=; no amino-acid change (isoleucine 343 retained).
Molecular consequence: synonymous variant.
Genome position (GRCh38, 1-based): chr17:41,845,470, C>A. VCF-style: chr17-41845470-C-A. GRCh37 (hg19) VCF-style: chr17-40001722-C-A.
Other names: c.1029C>A, p.Ile343= (NM_001329595.1); c.765C>A, p.Ile255= (NM_001329596.2).
Identifiers: ClinVar variation 3047292 (VCV003047292.2), dbSNP rs539854192, ClinGen allele CA8567312.

ClinVar aggregate classification (germline): Likely benign (0 of 4 stars; one submission).

Conditions:
KLHL10-related disorder. Also called: KLHL10-related condition.

Allele frequency attached by ClinVar (database versions not stated): gnomAD exomes 0.00001; ExAC 0.00002; TOPMed 0.00002; gnomAD 0.00003; 1000 Genomes Project 30x 0.00016; 1000 Genomes Project 0.00020.
gnomAD v4.1: 22 of 1,614,200 alleles (0.0014%); highest among the groups gnomAD compares: Middle Eastern, 0.016%; no homozygotes.

Submission:

PreventionGenetics, part of Exact Sciences
Classification: Likely benign for KLHL10-related condition. Last evaluated: 2019-02-22. Review status: no assertion criteria provided. Collection method: clinical testing. Allele origin: germline.
Comment: This variant is classified as likely benign based on ACMG/AMP sequence variant interpretation guidelines (Richards et al. 2015 PMID: 25741868, with internal and published modifications).